The following is an entry in ClinVar:

NM_000245.4(MET):c.4094A>T (p.Tyr1365Phe)

Gene: MET (MET proto-oncogene, receptor tyrosine kinase; plus strand). Cytogenetic location: 7q31.2.
Variant type: single nucleotide variant.
Coding change: c.4094A>T on transcript NM_000245.4 (MANE Select); coding-DNA position 4094, A replaced by T.
Protein change: p.Tyr1365Phe; replaces tyrosine 1365 with phenylalanine.
Molecular consequence: missense variant.
Genome position (GRCh38, 1-based): chr7:116,796,045, A>T. VCF-style: chr7-116796045-A-T. GRCh37 (hg19) VCF-style: chr7-116436099-A-T.
Other names: c.4148A>T, p.Tyr1383Phe (NM_001127500.3); c.2804A>T, p.Tyr935Phe (NM_001324402.2); short protein forms Y1383F, Y935F, Y1365F.
Identifiers: ClinVar variation 1738214 (VCV001738214.5), dbSNP rs1795662590, ClinGen allele CA369118384.
Genomic context (GRCh38, chr7:116,796,045, plus strand): 5'-TTGGGGAGCACTATGTCCATGTGAACGCTACTTATGTGAACGTAAAATGTGTCGCTCCGT[A>T]TCCTTCTCTGTTGTCATCAGAAGATAACGCTGATGATGAGGTGGACACACGACCAGCCTC-3'
Protein context (NP_000236.2, residues 1355-1375): TYVNVKCVAP[Tyr1365Phe]PSLLSSEDNA

ClinVar aggregate classification (germline): Uncertain significance. Review status: criteria provided, multiple submitters, no conflicts (2 of 4 stars). 2 submissions from 2 submitters: Uncertain significance (2). Last evaluated 2023-01-28.

Conditions:
Hereditary cancer-predisposing syndrome. Also called: Neoplastic Syndromes, Hereditary; Tumor predisposition; Hereditary Cancer Syndrome; Hereditary neoplastic syndrome. Identifiers: Orphanet 140162, MedGen C0027672, MeSH D009386, MONDO:0015356.
Renal cell carcinoma. Identifiers: Orphanet 217071, MedGen C0007134, MeSH D002292, MONDO:0005086, HP:0005584.

Allele frequency attached by ClinVar (database versions not stated): gnomAD exomes below 0.00001.
gnomAD v4.1: 1 of 1,614,018 alleles (0.000062%); highest among the groups gnomAD compares: Non-Finnish European, 0.000085%; no homozygotes.

Submissions (2):

Labcorp Genetics (formerly Invitae), Labcorp
Classification: Uncertain significance for Renal cell carcinoma. Last evaluated: 2023-01-28. Review status: criteria provided, single submitter. Criteria: Invitae Variant Classification Sherloc (09022015). Collection method: clinical testing. Allele origin: germline.
Comment: This variant is not present in population databases (gnomAD no frequency). This variant has not been reported in the literature in individuals affected with MET-related conditions. ClinVar contains an entry for this variant (Variation ID: 1738214). Algorithms developed to predict the effect of missense changes on protein structure and function are either unavailable or do not agree on the potential impact of this missense change (SIFT: "Tolerated"; PolyPhen-2: "Possibly Damaging"; Align-GVGD: "Class C0"). In summary, the available evidence is currently insufficient to determine the role of this variant in disease. Therefore, it has been classified as a Variant of Uncertain Significance. This sequence change replaces tyrosine, which is neutral and polar, with phenylalanine, which is neutral and non-polar, at codon 1383 of the MET protein (p.Tyr1383Phe).

Ambry Genetics
Classification: Uncertain significance for Hereditary cancer-predisposing syndrome. Last evaluated: 2020-11-16. Review status: criteria provided, single submitter. Criteria: Ambry Variant Classification Scheme 2023. Collection method: clinical testing. Allele origin: germline.
Comment: The p.Y1383F variant (also known as c.4148A>T), located in coding exon 20 of the MET gene, results from an A to T substitution at nucleotide position 4148. The tyrosine at codon 1383 is replaced by phenylalanine, an amino acid with highly similar properties. This amino acid position is highly conserved in available vertebrate species. In addition, the in silico prediction for this alteration is inconclusive. Since supporting evidence is limited at this time, the clinical significance of this alteration remains unclear.